The following is an entry in ClinVar:

NM_198076.6(COX20):c.25G>A (p.Glu9Lys)

Genes: COX20 (cytochrome c oxidase assembly factor COX20; plus strand), LOC129932912 (ATAC-STARR-seq lymphoblastoid silent region 2019; plus strand). Cytogenetic location: 1q44.
Variant type: single nucleotide variant.
Coding change: c.25G>A on transcript NM_198076.6 (MANE Select); coding-DNA position 25, G replaced by A.
Protein change: p.Glu9Lys; replaces glutamic acid 9 with lysine.
Molecular consequence: missense variant. On other transcripts: non-coding transcript variant (1), intron variant (1).
Genome position (GRCh38, 1-based): chr1:244,835,739, G>A. VCF-style: chr1-244835739-G-A. GRCh37 (hg19) VCF-style: chr1-244999041-G-A.
Other names: c.25G>A, p.Glu9Lys (NM_001312871.1, NM_001312872.1, NM_001312874.1); c.22+3G>A (NM_001312873.1); short protein forms E9K.
Identifiers: ClinVar variation 1916992 (VCV001916992.2), dbSNP rs946982087, ClinGen allele CA41129599.

ClinVar aggregate classification (germline): Uncertain significance (1 of 4 stars; one submission).

Allele frequency attached by ClinVar (database versions not stated): gnomAD 0.00001; gnomAD exomes 0.00001; TOPMed 0.00002.
gnomAD v4.1: 8 of 1,273,320 alleles (0.00063%); highest among the groups gnomAD compares: African/African-American, 0.0031%; no homozygotes.

Submission:

Labcorp Genetics (formerly Invitae), Labcorp
Classification: Uncertain significance. Last evaluated: 2022-04-22. Review status: criteria provided, single submitter. Criteria: Invitae Variant Classification Sherloc (09022015). Collection method: clinical testing. Allele origin: germline.
Comment: This sequence change replaces glutamic acid, which is acidic and polar, with lysine, which is basic and polar, at codon 9 of the COX20 protein (p.Glu9Lys). This variant is not present in population databases (gnomAD no frequency). This variant has not been reported in the literature in individuals affected with COX20-related conditions. Algorithms developed to predict the effect of missense changes on protein structure and function are either unavailable or do not agree on the potential impact of this missense change (SIFT: "Tolerated"; PolyPhen-2: "Probably Damaging"; Align-GVGD: "Class C0"). Algorithms developed to predict the effect of sequence changes on RNA splicing suggest that this variant may disrupt the consensus splice site. In summary, the available evidence is currently insufficient to determine the role of this variant in disease. Therefore, it has been classified as a Variant of Uncertain Significance.